The following is an entry in ClinVar:

ClinVar aggregate classification (germline): Uncertain significance (1 of 4 stars; one submission).

Submission:

Labcorp Genetics (formerly Invitae), Labcorp
Classification: Uncertain significance. Last evaluated: 2025-04-11. Review status: criteria provided, single submitter. Criteria: Invitae Variant Classification Sherloc (09022015). Collection method: clinical testing. Allele origin: germline.
Comment: This sequence change replaces aspartic acid, which is acidic and polar, with histidine, which is basic and polar, at codon 888 of the TLR7 protein (p.Asp888His). This variant is not present in population databases (gnomAD no frequency). This variant has not been reported in the literature in individuals affected with TLR7-related conditions. An algorithm developed to predict the effect of missense changes on protein structure and function (PolyPhen-2) suggests that this variant is likely to be tolerated. In summary, the available evidence is currently insufficient to determine the role of this variant in disease. Therefore, it has been classified as a Variant of Uncertain Significance.

NM_016562.4(TLR7):c.2662G>C (p.Asp888His)

Gene: TLR7 (toll like receptor 7; plus strand). Cytogenetic location: Xp22.2.
Variant type: single nucleotide variant.
Coding change: c.2662G>C on transcript NM_016562.4 (MANE Select); coding-DNA position 2662, G replaced by C.
Protein change: p.Asp888His; replaces aspartic acid 888 with histidine.
Molecular consequence: missense variant.
Genome position (GRCh38, 1-based): chrX:12,888,170, G>C. VCF-style: chrX-12888170-G-C. GRCh37 (hg19) VCF-style: chrX-12906289-G-C.
Other names: short protein forms D888H.
Identifiers: ClinVar variation 4717349 (VCV004717349.1).